The following is an entry in ClinVar:

NM_001267550.2(TTN):c.36821_36822insGGCCGGGCGCGGTGGCTCACGCCTGTAATCCCAGCACTTTGGGAGGCCGAGGCGGGCGGATCACGAGGTCAGGAGATCGAGACCATGCNNAAAAAAAAAAAAAAAAAAAA (p.Glu12274_Lys12275insAlaGlyArgGlyGlySerArgLeuTer)

Gene: TTN (titin; minus strand). Cytogenetic location: 2q31.2.
Variant type: Microsatellite.
Coding change: c.36821_36822insGGCCGGGCGCGGTGGCTCACGCCTGTAATCCCAGCACTTTGGGAGGCCGAGGCGGGCGGATCACGAGGTCAGGAGATCGAGACCATGCNNAAAAAAAAAAAAAAAAAAAA on transcript NM_001267550.2 (MANE Select); coding-DNA positions 36821 to 36822, GGCCGGGCGCGGTGGCTCACGCCTGTAATCCCAGCACTTTGGGAGGCCGAGGCGGGCGGATCACGAGGTCAGGAGATCGAGACCATGCNNAAAAAAAAAAAAAAAAAAAA inserted.
Protein change: p.Glu12274_Lys12275insAlaGlyArgGlyGlySerArgLeuTer.
Molecular consequence: nonsense, inframe insertion. On other transcripts: intron variant (5).
Genome position: GRCh38, VCF-style position (the base before the change): chr2:178,662,781. GRCh37 (hg19), VCF-style position (the base before the change): chr2:179,527,508.
Other names: c.13283-20465_13283-20464insAGGCCGGGCGCGGTGGCTCACGCCTGTAATCCCAGCACTTTGGGAGGCCGAGGCGGGCGGATCACGAGGTCAGGAGATCGAGACCATGCNNAAAAAAAAAAAAAAAAAAA (NM_003319.4); c.13859-20465_13859-20464insAGGCCGGGCGCGGTGGCTCACGCCTGTAATCCCAGCACTTTGGGAGGCCGAGGCGGGCGGATCACGAGGTCAGGAGATCGAGACCATGCNNAAAAAAAAAAAAAAAAAAA (NM_133437.4); c.13658-20465_13658-20464insAGGCCGGGCGCGGTGGCTCACGCCTGTAATCCCAGCACTTTGGGAGGCCGAGGCGGGCGGATCACGAGGTCAGGAGATCGAGACCATGCNNAAAAAAAAAAAAAAAAAAA (NM_133432.3); c.31573+184_31573+185insAGGCCGGGCGCGGTGGCTCACGCCTGTAATCCCAGCACTTTGGGAGGCCGAGGCGGGCGGATCACGAGGTCAGGAGATCGAGACCATGCNNAAAAAAAAAAAAAAAAAAA (NM_133378.4); c.34354+184_34354+185insAGGCCGGGCGCGGTGGCTCACGCCTGTAATCCCAGCACTTTGGGAGGCCGAGGCGGGCGGATCACGAGGTCAGGAGATCGAGACCATGCNNAAAAAAAAAAAAAAAAAAA (NM_001256850.1).
Identifiers: ClinVar variation 1910724 (VCV001910724.5).

ClinVar aggregate classification (germline): Uncertain significance (1 of 4 stars; one submission).

Conditions:
Dilated cardiomyopathy 1G (CMD1G). Identifiers: Orphanet 154, MedGen C1858763, MONDO:0011400, OMIM 604145.
Autosomal recessive limb-girdle muscular dystrophy type 2J (LGMDR10). Also called: Limb-girdle muscular dystrophy, type 2J; MUSCULAR DYSTROPHY, LIMB-GIRDLE, AUTOSOMAL RECESSIVE 10. Identifiers: Orphanet 140922, MedGen C1837342, MONDO:0012127, OMIM 608807.

Submission:

Labcorp Genetics (formerly Invitae), Labcorp
Classification: Uncertain significance for Dilated cardiomyopathy 1G; Autosomal recessive limb-girdle muscular dystrophy type 2J. Last evaluated: 2016-10-26. Review status: criteria provided, single submitter. Criteria: Invitae Variant Classification Sherloc (09022015). Collection method: clinical testing. Allele origin: germline.
Comment: In summary, although this is a novel truncating variant, truncating variants have been shown to be highly prevalent in the TTN gene in the general population and unaffected individuals (PMID: 26701604, 22335739). Furthermore, this truncation is located outside of a clinically relevant region of the TTN gene (PMID: 25589632). For these reasons it has been classified as a Variant of Uncertain Significance. While this variant is not present in population databases, the frequency information is unreliable, as metrics indicate poor data quality at this position in the ExAC database. This variant has not been reported in the literature in an individual with a TTN-related disease. This sequence change inserts 110 nucleotides in exon 175 of the TTN mRNA (c.36821_36822ins110), causing a frameshift at codon 12275. This creates a premature translational stop signal (p.Lys12275Alafs*9). While this is not anticipated to result in nonsense mediated decay, it is expected to result in a truncated protein product.

Literature cited by the submitters: PubMed 26701604; PubMed 22335739; PubMed 25589632.